The following is an entry in ClinVar:

NM_000642.3(AGL):c.3611T>C (p.Ile1204Thr)

Gene: AGL (amylo-alpha-1,6-glucosidase and 4-alpha-glucanotransferase; plus strand). Cytogenetic location: 1p21.2.
Variant type: single nucleotide variant.
Coding change: c.3611T>C on transcript NM_000642.3 (MANE Select); coding-DNA position 3611, T replaced by C.
Protein change: p.Ile1204Thr; replaces isoleucine 1204 with threonine.
Molecular consequence: missense variant.
Genome position (GRCh38, 1-based): chr1:99,902,705, T>C. VCF-style: chr1-99902705-T-C. GRCh37 (hg19) VCF-style: chr1-100368261-T-C.
Other names: c.3611T>C, p.Ile1204Thr (NM_000028.3, NM_000643.3, NM_000644.3 and 1 more transcripts); c.3563T>C, p.Ile1188Thr (NM_000646.3); c.3590T>C, p.Ile1197Thr (NM_001425326.1); c.3410T>C, p.Ile1137Thr (NM_001425327.1); c.3407T>C, p.Ile1136Thr (NM_001425328.1); c.3272T>C, p.Ile1091Thr (NM_001425329.1); c.3233T>C, p.Ile1078Thr (NM_001425332.1); short protein forms I1204T, I1188T, I1078T, I1091T, I1136T, I1137T, I1197T.
Identifiers: ClinVar variation 526602 (VCV000526602.8), dbSNP rs777686689, ClinGen allele CA27541303.

ClinVar aggregate classification (germline): Uncertain significance. Review status: criteria provided, single submitter (1 of 4 stars). 2 submissions from 2 submitters: Uncertain significance (1). 1 of the submissions does not count toward it. Last evaluated 2021-09-02.

Conditions:
Glycogen storage disease type III (GSD3). Also called: Cori disease; FORBES DISEASE. Identifiers: Orphanet 366, MedGen C0017922, MONDO:0009291, OMIM 232400.

Allele frequency attached by ClinVar (database versions not stated): gnomAD exomes below 0.00001 and 0.00004; gnomAD 0.00003; TOPMed 0.00003.
gnomAD v4.1: 55 of 1,613,194 alleles (0.0034%); highest among the groups gnomAD compares: Non-Finnish European, 0.0047%; no homozygotes.

Submissions (2):

Labcorp Genetics (formerly Invitae), Labcorp
Classification: Uncertain significance for Glycogen storage disease type III. Last evaluated: 2021-09-02. Review status: criteria provided, single submitter. Criteria: Invitae Variant Classification Sherloc (09022015). Collection method: clinical testing. Allele origin: germline.
Comment: This sequence change replaces isoleucine with threonine at codon 1204 of the AGL protein (p.Ile1204Thr). The isoleucine residue is moderately conserved and there is a moderate physicochemical difference between isoleucine and threonine. This variant is not present in population databases (ExAC no frequency). This variant has not been reported in the literature in individuals affected with AGL-related conditions. Algorithms developed to predict the effect of missense changes on protein structure and function are either unavailable or do not agree on the potential impact of this missense change (SIFT: "Deleterious"; PolyPhen-2: "Probably Damaging"; Align-GVGD: "Class C0"). In summary, the available evidence is currently insufficient to determine the role of this variant in disease. Therefore, it has been classified as a Variant of Uncertain Significance.

Natera, Inc.
Classification: Uncertain significance for Glycogen storage disease type III. Last evaluated: 2020-11-24. Review status: no assertion criteria provided. Collection method: clinical testing. Allele origin: germline. Not counted in ClinVar's aggregate classification.